The following is an entry in ClinVar:

NM_001256317.3(TMPRSS3):c.1206del (p.Leu404fs)

Gene: TMPRSS3 (transmembrane serine protease 3; minus strand). Cytogenetic location: 21q22.3.
Variant type: Deletion.
Coding change: c.1206del on transcript NM_001256317.3 (MANE Select); coding-DNA position 1206, one base deleted (G; older notation c.1206delG).
Protein change: p.Leu404fs; shifts the reading frame from leucine 404.
Molecular consequence: frameshift variant.
Genome position (GRCh38, 1-based): chr21:42,375,854, C deleted on the plus strand (G on the coding strand, the reverse complement: TMPRSS3 is on the minus strand); the first of 6 consecutive C bases (chr21:42,375,854-42,375,859); deleting any one gives the same sequence. VCF-style (leftmost placement, unchanged base first): chr21-42375853-GC-G. GRCh37 (hg19) VCF-style: chr21-43795962-GC-G.
Other names: c.1209del, p.Leu405fs (NM_024022.4); c.828del, p.Leu278fs (NM_032404.3); c.1209delG (NM_024022.2); c.1209del (NM_024022.2); short protein forms L278fs, L404fs, L405fs.
Identifiers: ClinVar variation 1195343 (VCV001195343.3), dbSNP rs1235521923, ClinGen allele CA2390775263.

ClinVar aggregate classification (germline): Pathogenic (1 of 4 stars; one submission).

Submission:

GeneDx
Classification: Pathogenic. Last evaluated: 2023-03-16. Review status: criteria provided, single submitter. Criteria: GeneDx Variant Classification Process June 2021. Collection method: clinical testing. Allele origin: germline. Affected: yes.
Comment: Frameshift variant predicted to result in protein truncation or nonsense mediated decay in a gene for which loss of function is a known mechanism of disease; Not observed in large population cohorts (gnomAD); Has not been previously published as pathogenic or benign to our knowledge